The following is an entry in ClinVar:

NM_001370298.3(FGD4):c.2455-46A>G

Gene: FGD4 (FYVE, RhoGEF and PH domain containing 4; plus strand). Cytogenetic location: 12p11.21.
Variant type: single nucleotide variant.
Coding change: c.2455-46A>G on transcript NM_001370298.3 (MANE Select); 46 bases into the intron before coding-DNA position 2455, A replaced by G.
Molecular consequence: intron variant.
Genome position (GRCh38, 1-based): chr12:32,640,230, A>G. VCF-style: chr12-32640230-A-G. GRCh37 (hg19) VCF-style: chr12-32793164-A-G.
Other names: c.2455-46A>G (NM_001384126.1); c.2299-46A>G (NM_001304481.2); c.1765-46A>G (NM_001330374.2, NM_001330373.2, NM_001384130.1); c.2044-46A>G (NM_139241.3, NM_001384127.1, NM_001385118.1 and 1 more transcripts); c.1012-46A>G (NM_001304484.2); c.1492-46A>G (NM_001370297.1).
Identifiers: ClinVar variation 673616 (VCV000673616.2), dbSNP rs74073032, ClinGen allele CA6507098.

ClinVar aggregate classification (germline): Benign. Review status: criteria provided, multiple submitters, no conflicts (2 of 4 stars). 2 submissions from 2 submitters: Benign (2). Last evaluated 2018-06-14.

Allele frequency attached by ClinVar (database versions not stated): ESP Exome Variant Server 0.05521; gnomAD 0.05681 and 0.05726; TOPMed 0.05708; gnomAD exomes 0.05906 and 0.06109; 1000 Genomes Project 30x 0.05934; ExAC 0.05973; 1000 Genomes Project 0.06090.
gnomAD v4.1: 98,099 of 1,613,930 alleles (6.1%); highest among the groups gnomAD compares: East Asian, 7.6%; 3,162 homozygotes.

Submissions (2):

GeneDx
Classification: Benign. Last evaluated: 2018-06-14. Review status: criteria provided, single submitter. Criteria: GeneDx Variant Classification (06012015). Collection method: clinical testing. Allele origin: germline. Affected: yes.
Comment: This variant is considered likely benign or benign based on one or more of the following criteria: it is a conservative change, it occurs at a poorly conserved position in the protein, it is predicted to be benign by multiple in silico algorithms, and/or has population frequency not consistent with disease.

Breakthrough Genomics
Classification: Benign. Review status: criteria provided, single submitter. Criteria: ACMG Guidelines, 2015. Collection method: not provided. Allele origin: germline. Inheritance: Autosomal recessive inheritance. Affected: yes.